The following is an entry in ClinVar:

ClinVar aggregate classification (germline): Conflicting classifications of pathogenicity. Review status: criteria provided, conflicting classifications (1 of 4 stars). 5 submissions from 5 submitters: Uncertain significance (1); Likely benign (4). Last evaluated 2026-02-01.

Conditions:
Cardiovascular phenotype. Identifiers: MedGen CN230736.
Walker-Warburg congenital muscular dystrophy. Also called: Muscular dystrophy-dystroglycanopathy, type A; Walker-Warburg syndrome. Identifiers: Orphanet 899, MedGen C0265221, MONDO:0000171.

Allele frequency attached by ClinVar (database versions not stated): gnomAD 0.00001; gnomAD exomes 0.00005 and 0.00025; TOPMed 0.00006; ExAC 0.00010.
gnomAD v4.1: 24 of 1,473,878 alleles (0.0016%); highest among the groups gnomAD compares: Admixed American, 0.059%; 1 homozygote.

Submissions (5):

CeGaT Center for Human Genetics Tuebingen
Classification: Likely benign. Last evaluated: 2026-02-01. Review status: criteria provided, single submitter. Criteria: CeGaT Center For Human Genetics Tuebingen Variant Classification Criteria Version 2. Collection method: clinical testing. Allele origin: germline. Affected: yes. Observed: 1 variant allele.
Comment: FKRP: BP4, BP7

Labcorp Genetics (formerly Invitae), Labcorp
Classification: Likely benign for Walker-Warburg congenital muscular dystrophy. Last evaluated: 2026-01-05. Review status: criteria provided, single submitter. Criteria: Invitae Variant Classification Sherloc (09022015). Collection method: clinical testing. Allele origin: germline.

Ambry Genetics
Classification: Likely benign for Cardiovascular phenotype. Last evaluated: 2022-03-03. Review status: criteria provided, single submitter. Criteria: Ambry Variant Classification Scheme 2023. Collection method: clinical testing. Allele origin: germline.

GeneDx
Classification: Likely benign. Last evaluated: 2021-09-11. Review status: criteria provided, single submitter. Criteria: GeneDx Variant Classification Process June 2021. Collection method: clinical testing. Allele origin: germline. Affected: yes.

Genetic Services Laboratory, University of Chicago
Classification: Uncertain significance. Last evaluated: 2015-03-09. Review status: criteria provided, single submitter. Criteria: ACMG Guidelines, 2015. Collection method: clinical testing. Allele origin: germline.

NM_024301.5(FKRP):c.699G>A (p.Val233=)

Gene: FKRP (fukutin related protein; plus strand). Cytogenetic location: 19q13.32.
Variant type: single nucleotide variant.
Coding change: c.699G>A on transcript NM_024301.5 (MANE Select); coding-DNA position 699, G replaced by A.
Protein change: p.Val233=; no amino-acid change (valine 233 retained).
Molecular consequence: synonymous variant.
Genome position (GRCh38, 1-based): chr19:46,756,149, G>A. VCF-style: chr19-46756149-G-A. GRCh37 (hg19) VCF-style: chr19-47259406-G-A.
Other names: c.699G>A, p.Val233= (NM_001039885.3).
Identifiers: ClinVar variation 211008 (VCV000211008.26), dbSNP rs764527541, ClinGen allele CA208137.